The following is an entry in ClinVar:

NM_001080421.3(UNC13A):c.3291C>T (p.Tyr1097=)

Gene: UNC13A (unc-13 homolog A; minus strand). Cytogenetic location: 19p13.11.
Variant type: single nucleotide variant.
Coding change: c.3291C>T on transcript NM_001080421.3 (MANE Select); coding-DNA position 3291, C replaced by T.
Protein change: p.Tyr1097=; no amino-acid change (tyrosine 1097 retained).
Molecular consequence: synonymous variant.
Genome position (GRCh38, 1-based): chr19:17,633,118, G>A on the plus strand (C>T on the coding strand, the complement: UNC13A is on the minus strand). VCF-style: chr19-17633118-G-A. GRCh37 (hg19) VCF-style: chr19-17743927-G-A.
Other names: p.Tyr1097=; c.3285C>T, p.Tyr1095= (NM_001387021.1, NM_001387022.1, NM_001387023.1).
Identifiers: ClinVar variation 713404 (VCV000713404.19), dbSNP rs113090566, ClinGen allele CA9298046.

ClinVar aggregate classification (germline): Benign/Likely benign. Review status: criteria provided, multiple submitters, no conflicts (2 of 4 stars). 3 submissions from 3 submitters: Benign (1); Likely benign (2). Last evaluated 2026-04-01.

Allele frequency attached by ClinVar (database versions not stated): gnomAD exomes 0.00042 and 0.00088; ExAC 0.00102; 1000 Genomes Project 30x 0.00265; 1000 Genomes Project 0.00280; ESP Exome Variant Server 0.00310; gnomAD 0.00340 and 0.00372; TOPMed 0.00378.
gnomAD v4.1: 1,163 of 1,614,144 alleles (0.072%); highest among the groups gnomAD compares: African/African-American, 1.2%; 9 homozygotes.

Submissions (3):

CeGaT Center for Human Genetics Tuebingen
Classification: Likely benign. Last evaluated: 2026-04-01. Review status: criteria provided, single submitter. Criteria: CeGaT Center For Human Genetics Tuebingen Variant Classification Criteria Version 2. Collection method: clinical testing. Allele origin: germline. Affected: yes. Observed: 2 variant alleles.
Comment: UNC13A: BP4, BP7, BS1

Mayo Clinic Laboratories, Mayo Clinic
Classification: Likely benign. Last evaluated: 2025-03-03. Review status: criteria provided, single submitter. Criteria: ACMG Guidelines, 2015. Collection method: clinical testing. Allele origin: germline. Observed: 1 variant allele.
Comment: BS2, BP4, BP7

Labcorp Genetics (formerly Invitae), Labcorp
Classification: Benign. Last evaluated: 2019-12-31. Review status: criteria provided, single submitter. Criteria: Invitae Variant Classification Sherloc (09022015). Collection method: clinical testing. Allele origin: germline.